The following is an entry in ClinVar:

ClinVar aggregate classification (germline): Uncertain significance (1 of 4 stars; one submission).

Conditions:
Paediatric disorders.

Submission:

North West Genomic Laboratory Hub, Manchester University NHS Foundation Trust
Classification: Uncertain significance for Paediatric disorders. Last evaluated: 2026-04-27. Review status: criteria provided, single submitter. Criteria: ACGS Best Practice Guidelines for Variant Classification in Rare Disease 2024. Collection method: clinical testing. Allele origin: germline. Affected: yes.
Comment: PP2_Supp PM2_Mod PP4_Mod

NM_001170629.2(CHD8):c.2104A>G (p.Lys702Glu)

Gene: CHD8 (chromodomain helicase DNA binding protein 8; minus strand). Cytogenetic location: 14q11.2.
Variant type: single nucleotide variant.
Coding change: c.2104A>G on transcript NM_001170629.2 (MANE Select); coding-DNA position 2104, A replaced by G.
Protein change: p.Lys702Glu; replaces lysine 702 with glutamic acid.
Molecular consequence: missense variant.
Genome position (GRCh38, 1-based): chr14:21,414,339, T>C on the plus strand (A>G on the coding strand, the complement: CHD8 is on the minus strand). VCF-style: chr14-21414339-T-C. GRCh37 (hg19) VCF-style: chr14-21882498-T-C.
Other names: c.1267A>G, p.Lys423Glu (NM_020920.4); short protein forms K423E, K702E.
Identifiers: ClinVar variation 4851486 (VCV004851486.1).